The following is an entry in ClinVar:

ClinVar aggregate classification (germline): Likely benign. Review status: criteria provided, multiple submitters, no conflicts (2 of 4 stars). 2 submissions from 2 submitters: Likely benign (2). Last evaluated 2023-01-03.

Allele frequency attached by ClinVar (database versions not stated): gnomAD exomes below 0.00001.
gnomAD v4.1: 2 of 1,613,510 alleles (0.00012%); highest among the groups gnomAD compares: Non-Finnish European, 0.00017%; no homozygotes.

Submissions (2):

Labcorp Genetics (formerly Invitae), Labcorp
Classification: Likely benign. Last evaluated: 2023-01-03. Review status: criteria provided, single submitter. Criteria: Invitae Variant Classification Sherloc (09022015). Collection method: clinical testing. Allele origin: germline.

CeGaT Center for Human Genetics Tuebingen
Classification: Likely benign. Last evaluated: 2022-07-01. Review status: criteria provided, single submitter. Criteria: CeGaT Center For Human Genetics Tuebingen Variant Classification Criteria Version 2. Collection method: clinical testing. Allele origin: germline. Affected: yes. Observed: 1 variant allele.
Comment: CDH23: PM2:Supporting, BP4, BP7

NM_022124.6(CDH23):c.4413C>T (p.Thr1471=)

Gene: CDH23 (cadherin related 23; plus strand). Cytogenetic location: 10q22.1.
Variant type: single nucleotide variant.
Coding change: c.4413C>T on transcript NM_022124.6 (MANE Select); coding-DNA position 4413, C replaced by T.
Protein change: p.Thr1471=; no amino-acid change (threonine 1471 retained).
Molecular consequence: synonymous variant.
Genome position (GRCh38, 1-based): chr10:71,739,697, C>T. VCF-style: chr10-71739697-C-T. GRCh37 (hg19) VCF-style: chr10-73499454-C-T.
Identifiers: ClinVar variation 1160941 (VCV001160941.33), dbSNP rs199700008, ClinGen allele CA209485446.